The following is an entry in ClinVar:

NM_053025.4(MYLK):c.1432C>T (p.Arg478Trp)

Gene: MYLK (myosin light chain kinase; minus strand). Cytogenetic location: 3q21.1.
Variant type: single nucleotide variant.
Coding change: c.1432C>T on transcript NM_053025.4 (MANE Select); coding-DNA position 1432, C replaced by T.
Protein change: p.Arg478Trp; replaces arginine 478 with tryptophan.
Molecular consequence: missense variant. On other transcripts: intron variant (2).
Genome position (GRCh38, 1-based): chr3:123,732,980, G>A on the plus strand (C>T on the coding strand, the complement: MYLK is on the minus strand). VCF-style: chr3-123732980-G-A. GRCh37 (hg19) VCF-style: chr3-123451827-G-A.
Other names: c.904C>T, p.Arg302Trp (NM_001321309.2); c.1432C>T, p.Arg478Trp (NM_053027.4); c.1309+707C>T (NM_053028.4, NM_053026.4); short protein forms R302W, R478W.
Identifiers: ClinVar variation 1052157 (VCV001052157.13), dbSNP rs200059795, ClinGen allele CA067082.

ClinVar aggregate classification (germline): Uncertain significance. Review status: criteria provided, multiple submitters, no conflicts (2 of 4 stars). 3 submissions from 3 submitters: Uncertain significance (3). Last evaluated 2025-12-20.

Conditions:
Familial thoracic aortic aneurysm and aortic dissection (TAAD). Also called: Thoracic aortic aneurysms and dissections. Identifiers: Orphanet 91387, MedGen C4707243, MONDO:0019625.
Aortic aneurysm, familial thoracic 7 (AAT7). Also called: AORTIC DISSECTION, FAMILIAL, WITH OR WITHOUT AORTIC ANEURYSM. Identifiers: MedGen C3151077, MONDO:0013418, OMIM 613780.

Allele frequency attached by ClinVar (database versions not stated): gnomAD exomes below 0.00001 and 0.00001; TOPMed below 0.00001; ExAC 0.00002.
gnomAD v4.1: 7 of 1,614,162 alleles (0.00043%); highest among the groups gnomAD compares: African/African-American, 0.0013%; no homozygotes.

Submissions (3):

Labcorp Genetics (formerly Invitae), Labcorp
Classification: Uncertain significance for Aortic aneurysm, familial thoracic 7. Last evaluated: 2025-12-20. Review status: criteria provided, single submitter. Criteria: Invitae Variant Classification Sherloc (09022015). Collection method: clinical testing. Allele origin: germline.
Comment: This sequence change replaces arginine, which is basic and polar, with tryptophan, which is neutral and slightly polar, at codon 478 of the MYLK protein (p.Arg478Trp). This variant is present in population databases (rs200059795, gnomAD 0.007%). This variant has not been reported in the literature in individuals affected with MYLK-related conditions. ClinVar contains an entry for this variant (Variation ID: 1052157). Invitae Evidence Modeling of protein sequence and biophysical properties (such as structural, functional, and spatial information, amino acid conservation, physicochemical variation, residue mobility, and thermodynamic stability) indicates that this missense variant is not expected to disrupt MYLK protein function with a negative predictive value of 95%. In summary, the available evidence is currently insufficient to determine the role of this variant in disease. Therefore, it has been classified as a Variant of Uncertain Significance.

Ambry Genetics
Classification: Uncertain significance for Familial thoracic aortic aneurysm and aortic dissection. Last evaluated: 2024-08-26. Review status: criteria provided, single submitter. Criteria: Ambry Variant Classification Scheme 2023. Collection method: clinical testing. Allele origin: germline.
Comment: The p.R478W variant (also known as c.1432C>T), located in coding exon 8 of the MYLK gene, results from a C to T substitution at nucleotide position 1432. The arginine at codon 478 is replaced by tryptophan, an amino acid with dissimilar properties. This amino acid position is not well conserved in available vertebrate species. In addition, this alteration is predicted to be tolerated by in silico analysis. Based on the available evidence, the clinical significance of this variant remains unclear.

CHEO Genetics Diagnostic Laboratory, Children's Hospital of Eastern Ontario
Classification: Uncertain significance for Familial thoracic aortic aneurysm and aortic dissection. Last evaluated: 2019-12-12. Review status: criteria provided, single submitter. Criteria: ACMG Guidelines, 2015. Collection method: clinical testing. Allele origin: germline.